The following is an entry in ClinVar:

NM_173598.6(KSR2):c.1803C>T (p.Ile601=)

Gene: KSR2 (kinase suppressor of ras 2; minus strand). Cytogenetic location: 12q24.22.
Variant type: single nucleotide variant.
Coding change: c.1803C>T on transcript NM_173598.6 (MANE Select); coding-DNA position 1803, C replaced by T.
Protein change: p.Ile601=; no amino-acid change (isoleucine 601 retained).
Molecular consequence: synonymous variant.
Genome position (GRCh38, 1-based): chr12:117,527,119, G>A on the plus strand (C>T on the coding strand, the complement: KSR2 is on the minus strand). VCF-style: chr12-117527119-G-A. GRCh37 (hg19) VCF-style: chr12-117964924-G-A.
Identifiers: ClinVar variation 3345450 (VCV003345450.1).

ClinVar aggregate classification (germline): Likely benign (0 of 4 stars; one submission).

Conditions:
KSR2-related disorder. Also called: KSR2-related condition.

Submission:

PreventionGenetics, part of Exact Sciences
Classification: Likely benign for KSR2-related condition. Last evaluated: 2024-09-16. Review status: no assertion criteria provided. Collection method: clinical testing. Allele origin: germline.
Comment: This variant is classified as likely benign based on ACMG/AMP sequence variant interpretation guidelines (Richards et al. 2015 PMID: 25741868, with internal and published modifications).